The following is an entry in ClinVar:

NM_000092.5(COL4A4):c.3751C>A (p.Pro1251Thr)

Gene: COL4A4 (collagen type IV alpha 4 chain; minus strand). Cytogenetic location: 2q36.3.
Variant type: single nucleotide variant.
Coding change: c.3751C>A on transcript NM_000092.5 (MANE Select); coding-DNA position 3751, C replaced by A.
Protein change: p.Pro1251Thr; replaces proline 1251 with threonine.
Molecular consequence: missense variant.
Genome position (GRCh38, 1-based): chr2:227,032,011, G>T on the plus strand (C>A on the coding strand, the complement: COL4A4 is on the minus strand). VCF-style: chr2-227032011-G-T. GRCh37 (hg19) VCF-style: chr2-227896727-G-T.
Other names: short protein forms P1251T.
Identifiers: ClinVar variation 2580395 (VCV002580395.2), dbSNP rs1207127546, ClinGen allele CA350837623.

ClinVar aggregate classification (germline): Uncertain significance. Review status: criteria provided, multiple submitters, no conflicts (2 of 4 stars). 2 submissions from 2 submitters: Uncertain significance (2). Last evaluated 2025-12-01.

Allele frequency attached by ClinVar (database versions not stated): TOPMed 0.00001.
gnomAD v4.1: 2 of 1,614,052 alleles (0.00012%); highest among the groups gnomAD compares: Admixed American, 0.0033%; no homozygotes.

Submissions (2):

Labcorp Genetics (formerly Invitae), Labcorp
Classification: Uncertain significance. Last evaluated: 2025-12-01. Review status: criteria provided, single submitter. Criteria: Invitae Variant Classification Sherloc (09022015). Collection method: clinical testing. Allele origin: germline.
Comment: This sequence change replaces proline, which is neutral and non-polar, with threonine, which is neutral and polar, at codon 1251 of the COL4A4 protein (p.Pro1251Thr). This variant is not present in population databases (gnomAD no frequency). This variant has not been reported in the literature in individuals affected with COL4A4-related conditions. ClinVar contains an entry for this variant (Variation ID: 2580395). Invitae Evidence Modeling of protein sequence and biophysical properties (such as structural, functional, and spatial information, amino acid conservation, physicochemical variation, residue mobility, and thermodynamic stability) indicates that this missense variant is not expected to disrupt COL4A4 protein function with a negative predictive value of 95%. In summary, the available evidence is currently insufficient to determine the role of this variant in disease. Therefore, it has been classified as a Variant of Uncertain Significance.

GeneDx
Classification: Uncertain significance. Last evaluated: 2023-03-21. Review status: criteria provided, single submitter. Criteria: GeneDx Variant Classification Process June 2021. Collection method: clinical testing. Allele origin: germline. Affected: yes.
Comment: Not observed at significant frequency in large population cohorts (gnomAD); In silico analysis supports that this missense variant does not alter protein structure/function; Occurs in the triple helical domain within an interruption of the canonical Gly-X-Y repeat; Has not been previously published as pathogenic or benign to our knowledge